The following is an entry in ClinVar:

ClinVar aggregate classification (germline): Uncertain significance. Review status: reviewed by expert panel (3 of 4 stars). 2 submissions from 2 submitters: Uncertain significance (1). 1 of the submissions does not count toward it. Last evaluated 2023-06-27.

Conditions:
Glycogen storage disease, type II (IOPD). Also called: CARDIOMEGALIA GLYCOGENICA DIFFUSA; POMPE DISEASE, INFANTILE-ONSET; GLYCOGEN STORAGE DISEASE II, INFANTILE-ONSET; ACID ALPHA-GLUCOSIDASE DEFICIENCY, INFANTILE-ONSET; GAA DEFICIENCY, INFANTILE-ONSET; ACID MALTASE DEFICIENCY, INFANTILE-ONSET. Identifiers: Orphanet 365, MedGen C0017921, MONDO:0009290, OMIM 232300.

Submissions (2):

ClinGen Lysosomal Storage Disorder Variant Curation Expert Panel
Classification: Uncertain significance for Glycogen storage disease, type II. Last evaluated: 2023-06-27. Review status: reviewed by expert panel. Criteria: clingen_lsd_acmg_specifications_v2-1. Collection method: curation. Allele origin: germline. Inheritance: Autosomal recessive inheritance.
Comment: The NM_000152.5:c.2799+2C>A variant in GAA alters the consensus donor splice site of intron 19, the final intron of GAA. The computational splicing predictor SpliceAI gives a score of 0.63 for donor loss, predicting that the variant disrupts splicing. Assuming that this results in skipping of exon 19, an in frame deletion of ~5% of the length of GAA would occur. Of note, the first two nucleotides of the intron are GC, rather than the typical GT (PVS1_Moderate). The variant is absent in gnomAD v2.1.1 (PM2_Supporting). To our knowledge, this variant has not been reported in the literature in individuals with Pompe disease, and the results of experimental studies to investigate its impact on splicing are not available. Additional variants in this splice region have been identified including c.2799+2C>T (classified by the ClinGen LD VCEP as a VUS), c.2799+4A>G (PMID: 26873529, 30564623) (classified by the ClinGen LD VCEP as likely pathogenic) and c.2799+5G>A (PMID: 28265479) (classified by the ClinGen LD VCEP as a VUS) (PS1_Supporting based on a likely pathogenic variant in the same splice region; Walker et al, 2023). There is a ClinVar entry for the variant (Variant ID: 556975). In summary, this variant meets the criteria to be classified as a variant of uncertain significance for Pompe disease. GAA-specific ACMG/AMP criteria applied, as specified by the ClinGen Lysosomal Diseases VCEP: PVS1_Moderate, PS1_Supporting, PM2_Supporting. (Classification approved by the ClinGen Lysosomal Diseases VCEP, June 27, 2023)

Counsyl
Classification: Likely pathogenic for Glycogen storage disease, type II. Last evaluated: 2018-03-01. Review status: no assertion criteria provided. Collection method: clinical testing. Allele origin: unknown. Not counted in ClinVar's aggregate classification.

NM_000152.5(GAA):c.2799+2C>A

Gene: GAA (alpha glucosidase; plus strand). Cytogenetic location: 17q25.3.
Variant type: single nucleotide variant.
Coding change: c.2799+2C>A on transcript NM_000152.5 (MANE Select); the canonical splice donor site of the intron after coding-DNA position 2799, C replaced by A.
Molecular consequence: splice donor variant.
Genome position (GRCh38, 1-based): chr17:80,118,807, C>A. VCF-style: chr17-80118807-C-A. GRCh37 (hg19) VCF-style: chr17-78092606-C-A.
Other names: c.2799+2C>A (NM_001406741.1, NM_001406742.1, NM_001079803.3 and 1 more transcripts).
Identifiers: ClinVar variation 556975 (VCV000556975.7), dbSNP rs1555603318, ClinGen allele CA401327498.